The following is an entry in ClinVar:

NM_016562.4(TLR7):c.585A>G (p.Ile195Met)

Gene: TLR7 (toll like receptor 7; plus strand). Cytogenetic location: Xp22.2.
Variant type: single nucleotide variant.
Coding change: c.585A>G on transcript NM_016562.4 (MANE Select); coding-DNA position 585, A replaced by G.
Protein change: p.Ile195Met; replaces isoleucine 195 with methionine.
Molecular consequence: missense variant.
Genome position (GRCh38, 1-based): chrX:12,886,093, A>G. VCF-style: chrX-12886093-A-G. GRCh37 (hg19) VCF-style: chrX-12904212-A-G.
Other names: c.585A>G (NM_016562.3); short protein forms I195M.
Identifiers: ClinVar variation 2874170 (VCV002874170.4), dbSNP rs201444887, ClinGen allele CA326797085.
Genomic context (GRCh38, chrX:12,886,093, plus strand): 5'-AATACTCTACCTGGGCCAAAACTGTTATTATCGAAATCCTTGTTATGTTTCATATTCAAT[A>G]GAGAAAGATGCCTTCCTAAACTTGACAAAGTTAAAAGTGCTCTCCCTGAAAGATAACAAT-3'
Protein context (NP_057646.1, residues 185-205): YRNPCYVSYS[Ile195Met]EKDAFLNLTK

ClinVar aggregate classification (germline): Uncertain significance. Review status: criteria provided, multiple submitters, no conflicts (2 of 4 stars). 2 submissions from 2 submitters: Uncertain significance (2). Last evaluated 2025-04-15.

Allele frequency attached by ClinVar (database versions not stated): TOPMed below 0.00001; gnomAD 0.00001; gnomAD exomes 0.00001.

Submissions (2):

Ambry Genetics
Classification: Uncertain significance. Last evaluated: 2025-04-15. Review status: criteria provided, single submitter. Criteria: Ambry Variant Classification Scheme 2023. Collection method: clinical testing. Allele origin: germline.

Labcorp Genetics (formerly Invitae), Labcorp
Classification: Uncertain significance. Last evaluated: 2024-05-23. Review status: criteria provided, single submitter. Criteria: Invitae Variant Classification Sherloc (09022015). Collection method: clinical testing. Allele origin: germline.
Comment: This sequence change replaces isoleucine, which is neutral and non-polar, with methionine, which is neutral and non-polar, at codon 195 of the TLR7 protein (p.Ile195Met). This variant is not present in population databases (gnomAD no frequency). This variant has not been reported in the literature in individuals affected with TLR7-related conditions. An algorithm developed to predict the effect of missense changes on protein structure and function (PolyPhen-2) suggests that this variant is likely to be disruptive. In summary, the available evidence is currently insufficient to determine the role of this variant in disease. Therefore, it has been classified as a Variant of Uncertain Significance.